The following is an entry in ClinVar:

NM_054012.4(ASS1):c.571G>A (p.Glu191Lys)

Gene: ASS1 (argininosuccinate synthase 1; plus strand). Cytogenetic location: 9q34.11.
Variant type: single nucleotide variant.
Coding change: c.571G>A on transcript NM_054012.4 (MANE Select); coding-DNA position 571, G replaced by A.
Protein change: p.Glu191Lys; replaces glutamic acid 191 with lysine.
Molecular consequence: missense variant.
Genome position (GRCh38, 1-based): chr9:130,471,489, G>A. VCF-style: chr9-130471489-G-A. GRCh37 (hg19) VCF-style: chr9-133346876-G-A.
Other names: c.571G>A, p.Glu191Lys (NM_000050.4); short protein forms E191K.
Identifiers: ClinVar variation 208153 (VCV000208153.19), dbSNP rs777828000, ClinGen allele CA275932.

ClinVar aggregate classification (germline): Pathogenic/Likely pathogenic. Review status: criteria provided, multiple submitters, no conflicts (2 of 4 stars). 7 submissions from 7 submitters: Pathogenic (4); Likely pathogenic (1). 2 of the submissions do not count toward it. Last evaluated 2026-02-14.

Conditions:
Citrullinemia. Identifiers: Orphanet 187, MedGen C0175683, MONDO:0015991.
Citrullinemia type I (CTNL1). Also called: ASS DEFICIENCY; argininosuccinate synthetase deficiency. Identifiers: Orphanet 247525, MedGen C4721769, MONDO:0008988, OMIM 215700.

Allele frequency attached by ClinVar (database versions not stated): TOPMed 0.00001; ExAC 0.00002; gnomAD exomes 0.00002; gnomAD 0.00003.

Submissions (7):

GeneDx
Classification: Pathogenic. Last evaluated: 2026-02-14. Review status: criteria provided, single submitter. Criteria: GeneDx Variant Classification Process June 2021. Collection method: clinical testing. Allele origin: germline.
Comment: Published functional studies demonstrate residual enzymatic activity of less than 10% of wild-type (PMID: 31469252); Not observed at significant frequency in large population cohorts (gnomAD); In silico analysis supports that this missense variant has a deleterious effect on protein structure/function; This variant is associated with the following publications: (PMID: 19006241, 24713661, 25118026, 28111830, 12815590, 34426522, 36685561, 33190319, 32778825, 31469252)

Natera, Inc.
Classification: Pathogenic for Citrullinemia type I. Last evaluated: 2026-01-05. Review status: criteria provided, single submitter. Criteria: Natera Variant Classification Schema (03/2026). Collection method: clinical testing. Allele origin: germline.
Comment: The c.571G>A variant in ASS1 is a missense variant predicted to cause substitution of glutamic acid to lysine at amino acid 191. This variant is rare in the general population with a frequency below the threshold expected for the associated phenotype(s). This variant has been observed in one or more individuals affected with the associated recessive disease, as either homozygous or compound heterozygous with a second variant (PMID: 12815590). A different variant at the same position has been determined to be Pathogenic or Likely Pathogenic. Computational prediction algorithms indicate this variant is likely to affect gene or protein function. Given the available evidence, this variant is classified as Pathogenic.

Labcorp Genetics (formerly Invitae), Labcorp
Classification: Pathogenic for Citrullinemia. Last evaluated: 2025-11-10. Review status: criteria provided, single submitter. Criteria: Invitae Variant Classification Sherloc (09022015). Collection method: clinical testing. Allele origin: germline.
Comment: This sequence change replaces glutamic acid, which is acidic and polar, with lysine, which is basic and polar, at codon 191 of the ASS1 protein (p.Glu191Lys). This variant is present in population databases (rs777828000, gnomAD 0.01%). This missense change has been observed in individual(s) with citrullinemia (PMID: 12815590, 24713661, 28111830; internal data). ClinVar contains an entry for this variant (Variation ID: 208153). Invitae Evidence Modeling of protein sequence and biophysical properties (such as structural, functional, and spatial information, amino acid conservation, physicochemical variation, residue mobility, and thermodynamic stability) indicates that this missense variant is expected to disrupt ASS1 protein function with a positive predictive value of 80%. For these reasons, this variant has been classified as Pathogenic.

Women's Health and Genetics/Laboratory Corporation of America, LabCorp
Classification: Pathogenic for Citrullinemia. Last evaluated: 2024-01-12. Review status: criteria provided, single submitter. Criteria: LabCorp Variant Classification Summary - May 2015. Collection method: clinical testing. Allele origin: germline.
Comment: Variant summary: ASS1 c.571G>A (p.Glu191Lys) results in a conservative amino acid change located in the Arginosuccinate synthase C-terminal domain (IPR048268) of the encoded protein sequence. Four of five in-silico tools predict a damaging effect of the variant on protein function. The variant allele was found at a frequency of 2e-05 in 251436 control chromosomes (gnomAD). c.571G>A has been reported in the literature in multiple individuals affected with Citrullinemia Type I (Gao_2003, Sahoo_2015, Diez-Fernandez_2017). These data indicate that the variant is very likely to be associated with disease. At least one publication reports experimental evidence evaluating an impact on protein function and this variant showed less than 10% of WT activity in transfected cells (Zielonka_2019). The following publications have been ascertained in the context of this evaluation (PMID: 28111830, 12815590, 24713661, 31469252). ClinVar contains an entry for this variant (Variation ID: 208153). Based on the evidence outlined above, the variant was classified as pathogenic.

Molecular Genetics, Royal Melbourne Hospital
Classification: Likely pathogenic for Citrullinemia type I. Last evaluated: 2023-04-11. Review status: criteria provided, single submitter. Criteria: ACMG Guidelines, 2015. Collection method: clinical testing. Allele origin: germline.
Comment: This sequence change in ASS1 is predicted to replace glutamic acid with lysine at codon 191, p.(Glu191Lys). The glutamic acid residue is highly conserved (84/84 vertebrates, UCSC), and is located in the citrulline/aspartate binding domain (PMID: 12815590). There is a small physicochemical difference between glutamic acid and lysine. The highest population minor allele frequency in the population database gnomAD v2.1 is 0.01% (3/24,962 alleles) in the African/African American population, which is consistent with a recessive disease. This variant has been detected in at least ten individuals with citrullinaemia. Of those individuals, seven individuals were homozygous and three were compound heterozygous for the variant and a pathogenic or likely pathogenic variant (PMID: 12815590, 24713661, 28111830, 33190319, 36685561). At least one of these patients displayed a marked elevation in plasma citrulline concentrations, which is highly specific for ASS1 deficiency (PMID: 20301396, 20301631). Computational evidence predicts a deleterious effect for the missense substitution (REVEL = 0.973). Based on the classification scheme RMH Modified ACMG/AMP Guidelines v1.6.1, this variant is classified as LIKELY PATHOGENIC. Following criteria are met: PM3_Strong, PP3_Moderate, PM2_Supporting, PP4.

Counsyl
Classification: Likely pathogenic for Citrullinemia type I. Last evaluated: 2018-01-03. Review status: no assertion criteria provided. Collection method: clinical testing. Allele origin: unknown. Not counted in ClinVar's aggregate classification.

Quest Diagnostics Nichols Institute San Juan Capistrano
Classification: Pathogenic for Citrullinemia. Last evaluated: 2014-05-25. Review status: no assertion criteria provided. Collection method: clinical testing. Allele origin: inherited. Affected: yes. Observed: 1 variant allele. Not counted in ClinVar's aggregate classification.
Comment: Homozygous missense mutation in the ASS1 gene.

Literature cited by the submitters: PubMed 12815590 (cited by 6 submitters); PubMed 24713661 (cited by 4 submitters); PubMed 28111830 (cited by 4 submitters); PubMed 31469252 (cited by Women's Health and Genetics/Laboratory Corporation of America, LabCorp); PubMed 20301396 (cited by Molecular Genetics, Royal Melbourne Hospital); PubMed 20301631 (cited by Molecular Genetics, Royal Melbourne Hospital); PubMed 33190319 (cited by Molecular Genetics, Royal Melbourne Hospital); PubMed 36685561 (cited by Molecular Genetics, Royal Melbourne Hospital); PubMed 19006241 (cited by Quest Diagnostics Nichols Institute San Juan Capistrano).